The following is an entry in ClinVar:

ClinVar aggregate classification (germline): Uncertain significance (1 of 4 stars; one submission).

Allele frequency attached by ClinVar (database versions not stated): gnomAD 0.00002; gnomAD exomes 0.00002; TOPMed 0.00003; ExAC 0.00007.
gnomAD v4.1: 15 of 1,614,154 alleles (0.00093%); highest among the groups gnomAD compares: East Asian, 0.031%; no homozygotes.

Submission:

Labcorp Genetics (formerly Invitae), Labcorp
Classification: Uncertain significance. Last evaluated: 2022-04-07. Review status: criteria provided, single submitter. Criteria: Invitae Variant Classification Sherloc (09022015). Collection method: clinical testing. Allele origin: germline.
Comment: In summary, the available evidence is currently insufficient to determine the role of this variant in disease. Therefore, it has been classified as a Variant of Uncertain Significance. This sequence change replaces asparagine, which is neutral and polar, with lysine, which is basic and polar, at codon 1381 of the LRRK1 protein (p.Asn1381Lys). This variant is present in population databases (rs763640946, gnomAD 0.08%). This variant has not been reported in the literature in individuals affected with LRRK1-related conditions. Algorithms developed to predict the effect of missense changes on protein structure and function are either unavailable or do not agree on the potential impact of this missense change (SIFT: "Tolerated"; PolyPhen-2: "Possibly Damaging"; Align-GVGD: "Class C0").

NM_024652.6(LRRK1):c.4143C>A (p.Asn1381Lys)

Genes: LRRK1 (leucine rich repeat kinase 1; plus strand), LRRK1-AS1 (LRRK1 antisense RNA 1; minus strand). Cytogenetic location: 15q26.3.
Variant type: single nucleotide variant.
Coding change: c.4143C>A on transcript NM_024652.6 (MANE Select); coding-DNA position 4143, C replaced by A.
Protein change: p.Asn1381Lys; replaces asparagine 1381 with lysine.
Molecular consequence: missense variant.
Genome position (GRCh38, 1-based): chr15:101,055,034, C>A. VCF-style: chr15-101055034-C-A. GRCh37 (hg19) VCF-style: chr15-101595239-C-A.
Other names: short protein forms N1381K.
Identifiers: ClinVar variation 2118015 (VCV002118015.2), dbSNP rs763640946, ClinGen allele CA7761767.